The following is an entry in ClinVar:

NM_001394062.1(MACF1):c.4285C>T (p.Leu1429Phe)

Gene: MACF1 (microtubule actin crosslinking factor 1; plus strand). Cytogenetic location: 1p34.3.
Variant type: single nucleotide variant.
Coding change: c.4285C>T on transcript NM_001394062.1 (MANE Select); coding-DNA position 4285, C replaced by T.
Protein change: p.Leu1429Phe; replaces leucine 1429 with phenylalanine.
Molecular consequence: missense variant.
Genome position (GRCh38, 1-based): chr1:39,324,241, C>T. VCF-style: chr1-39324241-C-T. GRCh37 (hg19) VCF-style: chr1-39789913-C-T.
Other names: c.4300C>T, p.Leu1434Phe (NM_012090.5); short protein forms L1429F, L1434F.
Identifiers: ClinVar variation 1305766 (VCV001305766.2), dbSNP rs777565608, ClinGen allele CA339740122.

ClinVar aggregate classification (germline): Uncertain significance (1 of 4 stars; one submission).

Allele frequency attached by ClinVar (database versions not stated): gnomAD exomes below 0.00001; gnomAD 0.00001.
gnomAD v4.1: 2 of 1,612,890 alleles (0.00012%); highest among the groups gnomAD compares: Non-Finnish European, 0.00017%; no homozygotes.

Submission:

GeneDx
Classification: Uncertain significance. Last evaluated: 2019-05-09. Review status: criteria provided, single submitter. Criteria: GeneDx Variant Classification Process June 2021. Collection method: clinical testing. Allele origin: germline. Affected: yes.
Comment: Not observed in large population cohorts (Lek et al., 2016); In silico analysis, which includes protein predictors and evolutionary conservation, supports a deleterious effect; Has not been previously published as pathogenic or benign to our knowledge; Variants in candidate genes are classified as variants of uncertain significance in accordance with ACMG guidelines (Richards et al., 2015)